The following is an entry in ClinVar:

ClinVar aggregate classification (germline): Uncertain significance (1 of 4 stars; one submission).

Allele frequency attached by ClinVar (database versions not stated): TOPMed 0.00001.
gnomAD v4.1: 1 of 1,612,702 alleles (0.000062%); no homozygotes.

Submission:

Labcorp Genetics (formerly Invitae), Labcorp
Classification: Uncertain significance. Last evaluated: 2022-05-25. Review status: criteria provided, single submitter. Criteria: Invitae Variant Classification Sherloc (09022015). Collection method: clinical testing. Allele origin: germline.
Comment: This variant is not present in population databases (gnomAD no frequency). This sequence change replaces valine, which is neutral and non-polar, with glycine, which is neutral and non-polar, at codon 235 of the CD81 protein (p.Val235Gly). This variant has not been reported in the literature in individuals affected with CD81-related conditions. In summary, the available evidence is currently insufficient to determine the role of this variant in disease. Therefore, it has been classified as a Variant of Uncertain Significance. Algorithms developed to predict the effect of missense changes on protein structure and function are either unavailable or do not agree on the potential impact of this missense change (SIFT: "Tolerated"; PolyPhen-2: "Possibly Damaging"; Align-GVGD: "Class C0").

NM_004356.4(CD81):c.704T>G (p.Val235Gly)

Gene: CD81 (CD81 molecule; plus strand). Cytogenetic location: 11p15.5.
Variant type: single nucleotide variant.
Coding change: c.704T>G on transcript NM_004356.4 (MANE Select); coding-DNA position 704, T replaced by G.
Protein change: p.Val235Gly; replaces valine 235 with glycine.
Molecular consequence: missense variant.
Genome position (GRCh38, 1-based): chr11:2,396,859, T>G. VCF-style: chr11-2396859-T-G. GRCh37 (hg19) VCF-style: chr11-2418089-T-G.
Other names: c.491T>G, p.Val164Gly (NM_001297649.2); short protein forms V164G, V235G.
Identifiers: ClinVar variation 1950277 (VCV001950277.5), dbSNP rs1381126135, ClinGen allele CA379125554.